The following is an entry in ClinVar:

ClinVar aggregate classification (germline): Uncertain significance. Review status: criteria provided, multiple submitters, no conflicts (2 of 4 stars). 3 submissions from 3 submitters: Uncertain significance (3). Last evaluated 2025-01-02.

Conditions:
Lynch syndrome 4 (LYNCH4). Also called: Hereditary non-polyposis colorectal cancer, type 4; Colorectal cancer, hereditary nonpolyposis, type 4. Identifiers: Orphanet 144, MedGen C1838333, MONDO:0013699, OMIM 614337. Disease mechanism: loss of function.
Hereditary nonpolyposis colorectal neoplasms. Identifiers: MedGen C0009405, MeSH D003123.
Hereditary cancer-predisposing syndrome. Also called: Tumor predisposition; Hereditary neoplastic syndrome; Neoplastic Syndromes, Hereditary; Hereditary Cancer Syndrome. Identifiers: Orphanet 140162, MedGen C0027672, MeSH D009386, MONDO:0015356.

Allele frequency attached by ClinVar (database versions not stated): gnomAD exomes below 0.00001.

Submissions (3):

Labcorp Genetics (formerly Invitae), Labcorp
Classification: Uncertain significance for Hereditary nonpolyposis colorectal neoplasms. Last evaluated: 2025-01-02. Review status: criteria provided, single submitter. Criteria: Invitae Variant Classification Sherloc (09022015). Collection method: clinical testing. Allele origin: germline.
Comment: This sequence change replaces glutamic acid, which is acidic and polar, with glutamine, which is neutral and polar, at codon 78 of the PMS2 protein (p.Glu78Gln). This variant is not present in population databases (gnomAD no frequency). This variant has not been reported in the literature in individuals affected with PMS2-related conditions. ClinVar contains an entry for this variant (Variation ID: 846082). Invitae Evidence Modeling incorporating data from in vitro experimental studies (internal data) indicates that this missense variant is not expected to disrupt PMS2 function with a negative predictive value of 95%. In summary, the available evidence is currently insufficient to determine the role of this variant in disease. Therefore, it has been classified as a Variant of Uncertain Significance.

Ambry Genetics
Classification: Uncertain significance for Hereditary cancer-predisposing syndrome. Last evaluated: 2022-09-13. Review status: criteria provided, single submitter. Criteria: Ambry Variant Classification Scheme 2023. Collection method: clinical testing. Allele origin: germline.
Comment: The p.E78Q variant (also known as c.232G>C), located in coding exon 3 of the PMS2 gene, results from a G to C substitution at nucleotide position 232. The glutamic acid at codon 78 is replaced by glutamine, an amino acid with highly similar properties. This amino acid position is conserved. In addition, this alteration is predicted to be tolerated by in silico analysis. Since supporting evidence is limited at this time, the clinical significance of this alteration remains unclear.

Neuberg Centre For Genomic Medicine, NCGM
Classification: Uncertain significance for Lynch syndrome 4. Review status: criteria provided, single submitter. Criteria: ACMG Guidelines, 2015. Collection method: clinical testing. Allele origin: germline. Inheritance: Autosomal dominant inheritance. Affected: yes.
Comment: The missense variant p.E78Q in PMS2 (NM_000535.7) is novel (not in any individuals) in gnomAD Exomes and is novel (not in any individuals) in 1000 Genomes. There is a small physicochemical difference between glutamic acid and glutamine, which is not likely to impact secondary protein structure as these residues share similar properties. The p.E78Q missense variant is predicted to be damaging by both SIFT and PolyPhen2. The nucleotide c.232 in PMS2 is predicted conserved by GERP++ and PhyloP across 100 vertebrates. For these reasons, this variant has been classified as Uncertain Significance.

NM_000535.7(PMS2):c.232G>C (p.Glu78Gln)

Gene: PMS2 (PMS1 homolog 2, mismatch repair system component; minus strand). Cytogenetic location: 7p22.1.
Variant type: single nucleotide variant.
Coding change: c.232G>C on transcript NM_000535.7 (MANE Select); coding-DNA position 232, G replaced by C.
Protein change: p.Glu78Gln; replaces glutamic acid 78 with glutamine.
Molecular consequence: missense variant. On other transcripts: 5 prime UTR variant (9), non-coding transcript variant (1).
Genome position (GRCh38, 1-based): chr7:6,003,990, C>G on the plus strand (G>C on the coding strand, the complement: PMS2 is on the minus strand). VCF-style: chr7-6003990-C-G. GRCh37 (hg19) VCF-style: chr7-6043621-C-G.
Other names: c.-174G>C (NM_001322003.2, NM_001322004.2, NM_001322005.2 and 3 more transcripts); c.232G>C, p.Glu78Gln (NM_001322006.2, NM_001322014.2); c.17G>C, p.Arg6Thr (NM_001322007.2, NM_001322008.2); c.-653G>C (NM_001322011.2, NM_001322012.2); c.-253G>C (NM_001322015.2); c.232G>C (NM_000535.6); short protein forms E78Q, R6T.
Identifiers: ClinVar variation 846082 (VCV000846082.11), dbSNP rs1785414812, ClinGen allele CA366744788.